The following is an entry in ClinVar:

ClinVar aggregate classification (germline): Uncertain significance (1 of 4 stars; one submission).

Allele frequency attached by ClinVar (database versions not stated): gnomAD exomes below 0.00001.
gnomAD v4.1: 1 of 1,613,656 alleles (0.000062%); highest among the groups gnomAD compares: Non-Finnish European, 0.000085%; no homozygotes.

Submission:

Labcorp Genetics (formerly Invitae), Labcorp
Classification: Uncertain significance. Last evaluated: 2022-02-24. Review status: criteria provided, single submitter. Criteria: Invitae Variant Classification Sherloc (09022015). Collection method: clinical testing. Allele origin: germline.
Comment: This sequence change replaces leucine, which is neutral and non-polar, with valine, which is neutral and non-polar, at codon 292 of the FZD4 protein (p.Leu292Val). This variant is not present in population databases (gnomAD no frequency). This variant has not been reported in the literature in individuals affected with FZD4-related conditions. Algorithms developed to predict the effect of missense changes on protein structure and function (SIFT, PolyPhen-2, Align-GVGD) all suggest that this variant is likely to be disruptive. In summary, the available evidence is currently insufficient to determine the role of this variant in disease. Therefore, it has been classified as a Variant of Uncertain Significance.

NM_012193.4(FZD4):c.874C>G (p.Leu292Val)

Genes: FZD4 (frizzled class receptor 4; minus strand), PRSS23 (serine protease 23; plus strand). Cytogenetic location: 11q14.2.
Variant type: single nucleotide variant.
Coding change: c.874C>G on transcript NM_012193.4 (MANE Select); coding-DNA position 874, C replaced by G.
Protein change: p.Leu292Val; replaces leucine 292 with valine.
Molecular consequence: missense variant. On other transcripts: non-coding transcript variant (2).
Genome position (GRCh38, 1-based): chr11:86,951,882, G>C on the plus strand (C>G on the coding strand, the complement: FZD4 is on the minus strand). VCF-style: chr11-86951882-G-C. GRCh37 (hg19) VCF-style: chr11-86662924-G-C.
Other names: short protein forms L292V.
Identifiers: ClinVar variation 1521143 (VCV001521143.8), dbSNP rs2135040940, ClinGen allele CA382013954.